The following is an entry in ClinVar:

NM_000038.6(APC):c.4339del (p.Gln1447fs)

Gene: APC (APC regulator of Wnt signaling pathway; plus strand). Cytogenetic location: 5q22.2.
Variant type: Deletion.
Coding change: c.4339del on transcript NM_000038.6 (MANE Select); coding-DNA position 4339, one base deleted (C; older notation c.4339delC).
Protein change: p.Gln1447fs; shifts the reading frame from glutamine 1447.
Molecular consequence: frameshift variant.
Genome position (GRCh38, 1-based): chr5:112,839,933, C deleted. VCF-style (leftmost placement, unchanged base first): chr5-112839932-TC-T. GRCh37 (hg19) VCF-style: chr5-112175629-TC-T.
Other names: c.4339del, p.Gln1447fs (NM_001127510.3, NM_001354895.2); c.4285del, p.Gln1429fs (NM_001127511.3); c.4393del, p.Gln1465fs (NM_001354896.2); c.4369del, p.Gln1457fs (NM_001354897.2); c.4264del, p.Gln1422fs (NM_001354898.2); c.4255del, p.Gln1419fs (NM_001354899.2); c.4216del, p.Gln1406fs (NM_001354900.2); c.4162del, p.Gln1388fs (NM_001354901.2); and 5 more; short protein forms Q1346fs, Q1356fs, Q1388fs, Q1457fs, Q1287fs, Q1406fs, Q1447fs, Q1164fs.
Identifiers: ClinVar variation 642084 (VCV000642084.10), dbSNP rs1580646768, ClinGen allele CA645543842.

ClinVar aggregate classification (germline): Pathogenic (1 of 4 stars; one submission).

Conditions:
Familial adenomatous polyposis 1 (FAP1). Also called: FAMILIAL ADENOMATOUS POLYPOSIS 1, ATTENUATED; POLYPOSIS, ADENOMATOUS INTESTINAL. Identifiers: MedGen C2713442, MONDO:0021056, OMIM 175100. Disease mechanism: loss of function.

Submission:

Labcorp Genetics (formerly Invitae), Labcorp
Classification: Pathogenic for Familial adenomatous polyposis 1. Last evaluated: 2018-09-19. Review status: criteria provided, single submitter. Criteria: Invitae Variant Classification Sherloc (09022015). Collection method: clinical testing. Allele origin: germline.
Comment: For these reasons, this variant has been classified as Pathogenic. A different truncation (p.Tyr2645Lysfs*14) that lies downstream of this variant has been determined to be pathogenic (PMID: 9824584, 1316610, 27081525, 8381579, 22135120). This suggests that deletion of this region of the APC protein is causative of disease. This variant is expected to disrupt the EB1 and HDLG binding sites, which mediate interactions with the cytoskeleton (PMID: 15311282, 17293347). While functional studies have not been performed to directly test the effect on APC protein function, this suggests that disruption of the C-terminal portion of the protein is functionally important This variant has not been reported in the literature in individuals with APC-related disease. This variant is not present in population databases (ExAC no frequency). This sequence change results in a premature translational stop signal in the APC gene (p.Gln1447Lysfs*26). While this is not anticipated to result in nonsense mediated decay, it is expected to disrupt the last 1397 amino acids of the APC protein.

Literature cited by the submitters: PubMed 9824584; PubMed 1316610; PubMed 27081525; PubMed 8381579; PubMed 22135120; PubMed 15311282; PubMed 17293347.